The following is an entry in ClinVar:

NM_000448.3(RAG1):c.3004C>T (p.Leu1002Phe)

Gene: RAG1 (recombination activating 1; plus strand). Cytogenetic location: 11p12.
Variant type: single nucleotide variant.
Coding change: c.3004C>T on transcript NM_000448.3 (MANE Select); coding-DNA position 3004, C replaced by T.
Protein change: p.Leu1002Phe; replaces leucine 1002 with phenylalanine.
Molecular consequence: missense variant.
Genome position (GRCh38, 1-based): chr11:36,576,308, C>T. VCF-style: chr11-36576308-C-T. GRCh37 (hg19) VCF-style: chr11-36597858-C-T.
Other names: c.3004C>T, p.Leu1002Phe (NM_001377277.1, NM_001377278.1, NM_001377279.1 and 1 more transcripts); short protein forms L1002F.
Identifiers: ClinVar variation 3895957 (VCV003895957.1).

ClinVar aggregate classification (germline): Uncertain significance (1 of 4 stars; one submission).

gnomAD v4.1: 2 of 1,614,070 alleles (0.00012%); highest among the groups gnomAD compares: South Asian, 0.0011%; no homozygotes.

Submission:

Women's Health and Genetics/Laboratory Corporation of America, LabCorp
Classification: Uncertain significance. Last evaluated: 2025-03-31. Review status: criteria provided, single submitter. Criteria: LabCorp Variant Classification Summary - May 2015. Collection method: clinical testing. Allele origin: germline.
Comment: Variant summary: RAG1 c.3004C>T (p.Leu1002Phe) results in a non-conservative amino acid change in the encoded protein sequence. Four of four in-silico tools predict a damaging effect of the variant on protein function. The variant allele was found at a frequency of 4e-06 in 250114 control chromosomes (gnomAD). c.3004C>T has been reported in the literature in individuals affected with Severe Combined Immunodeficiency. These data do not allow any conclusion about variant significance. At least one publication reports experimental evidence evaluating an impact on protein function. The most pronounced variant effect results in 10%-<30% of normal activity. The following publication has been ascertained in the context of this evaluation (PMID: 32655540). No submitters have cited clinical-significance assessments for this variant to ClinVar. Based on the evidence outlined above, the variant was classified as VUS-possibly pathogenic.

Literature cited by the submitters: PubMed 32655540.